The following is an entry in ClinVar:

NM_000551.4(VHL):c.641G>T (p.Ter214Leu)

Genes: VHL (von Hippel-Lindau tumor suppressor; plus strand), LOC107303340 (3p25 von Hippel-Lindau tumor suppressor, E3 ubiquitin protein ligase Alu-mediated recombination region; plus strand). Cytogenetic location: 3p25.3.
Variant type: single nucleotide variant.
Coding change: c.641G>T on transcript NM_000551.4 (MANE Select); coding-DNA position 641, G replaced by T.
Protein change: p.Ter214Leu.
Molecular consequence: stop lost. On other transcripts: 3 prime UTR variant (1).
Genome position (GRCh38, 1-based): chr3:10,149,964, G>T. VCF-style: chr3-10149964-G-T. GRCh37 (hg19) VCF-style: chr3-10191648-G-T.
Other names: *173L; c.*195G>T (NM_001354723.2); c.518G>T, p.Ter173Leu (NM_198156.3).
Identifiers: ClinVar variation 223236 (VCV000223236.5), dbSNP rs869025668, ClinGen allele CA357103.

ClinVar aggregate classification (germline): Likely pathogenic. Review status: criteria provided, multiple submitters, no conflicts (2 of 4 stars). 3 submissions from 3 submitters: Likely pathogenic (2). 1 of the submissions does not count toward it. Last evaluated 2026-01-14.

Conditions:
Chuvash polycythemia. Also called: POLYCYTHEMIA, VHL-DEPENDENT. Identifiers: Orphanet 238557, MedGen C1837915, MONDO:0009892, OMIM 263400.
Von Hippel-Lindau syndrome (VHLS). Also called: von Hippel–Lindau syndrome; VHL syndrome; Von Hippel-Lindau. Identifiers: Orphanet 892, MedGen C0019562, MONDO:0008667, OMIM 193300. Disease mechanism: loss of function.

Submissions (3):

Myriad Genetics, Inc.
Classification: Likely pathogenic for Von Hippel-Lindau syndrome. Last evaluated: 2026-01-14. Review status: criteria provided, single submitter. Criteria: Myriad Autosomal Dominant, Autosomal Recessive and X-Linked Classification Criteria (2023). Collection method: clinical testing. Allele origin: unknown.
Comment: This variant is considered likely pathogenic. This variant creates a frameshift predicted to result in the incorporation of abnormal amino acid sequence into the protein product and abnormal protein elongation. This variant has been reported in multiple individuals with clinical features of gene-specific disease [PMID: 20560986, 17102080, 35008334, 33219105].

Labcorp Genetics (formerly Invitae), Labcorp
Classification: Likely pathogenic for Von Hippel-Lindau syndrome; Chuvash polycythemia. Last evaluated: 2025-05-05. Review status: criteria provided, single submitter. Criteria: Invitae Variant Classification Sherloc (09022015). Collection method: clinical testing. Allele origin: germline.
Comment: This sequence change disrupts the translational stop signal of the VHL mRNA. It is expected to extend the length of the VHL protein by 14 additional amino acid residues. This variant is not present in population databases (gnomAD no frequency). This protein extension has been observed in individual(s) with clinical features of von Hippel-Lindau syndrome (PMID: 20560986). This variant is also known as p.*214Leuext*15. ClinVar contains an entry for this variant (Variation ID: 223236). Algorithms developed to predict the effect of variants on gene product structure and function are not available or were not evaluated for this variant. Experimental studies have shown that this protein extension affects VHL function (PMID: 20560986). This variant results in an extension of the VHL protein. Other variant(s) that result in a similarly extended protein product (p.*214Cysext*14) have been observed in individuals with VHL-related disease (PMID: 20560986). This suggests that these extensions may be clinically significant. In summary, the currently available evidence indicates that the variant is pathogenic, but additional data are needed to prove that conclusively. Therefore, this variant has been classified as Likely Pathogenic.

Genomic Diagnostic Laboratory, Division of Genomic Diagnostics, Children's Hospital of Philadelphia
Classification: Likely pathogenic for Von Hippel-Lindau syndrome. Last evaluated: 2016-02-26. Review status: no assertion criteria provided. Collection method: clinical testing. Allele origin: germline. Affected: yes. Observed: 5 variant alleles. Not counted in ClinVar's aggregate classification.

Literature cited by the submitters: PubMed 20560986 (cited by Myriad Genetics, Inc. and Labcorp Genetics (formerly Invitae), Labcorp); PubMed 17102080 (cited by Myriad Genetics, Inc.); PubMed 35008334 (cited by Myriad Genetics, Inc.); PubMed 33219105 (cited by Myriad Genetics, Inc.).